The following is an entry in ClinVar:

NM_152743.4(BRAT1):c.2137C>G (p.Arg713Gly)

Gene: BRAT1 (BRCA1 associated ATM activator 1; minus strand). Cytogenetic location: 7p22.3.
Variant type: single nucleotide variant.
Coding change: c.2137C>G on transcript NM_152743.4 (MANE Select); coding-DNA position 2137, C replaced by G.
Protein change: p.Arg713Gly; replaces arginine 713 with glycine.
Molecular consequence: missense variant. On other transcripts: non-coding transcript variant (1).
Genome position (GRCh38, 1-based): chr7:2,538,398, G>C on the plus strand (C>G on the coding strand, the complement: BRAT1 is on the minus strand). VCF-style: chr7-2538398-G-C. GRCh37 (hg19) VCF-style: chr7-2578032-G-C.
Other names: c.2317C>G, p.Arg773Gly (NM_001350626.2); c.1612C>G, p.Arg538Gly (NM_001350627.2); short protein forms R538G, R713G, R773G.
Identifiers: ClinVar variation 1016761 (VCV001016761.8), dbSNP rs780417945, ClinGen allele CA366624507.

ClinVar aggregate classification (germline): Uncertain significance (1 of 4 stars; one submission).

Conditions:
Neonatal-onset encephalopathy with rigidity and seizures. Also called: Lethal neonatal spasticity-epileptic encephalopathy syndrome. Identifiers: Orphanet 435845, MedGen C3281029, MONDO:0013784, OMIM 614498.

Submission:

Labcorp Genetics (formerly Invitae), Labcorp
Classification: Uncertain significance for Neonatal-onset encephalopathy with rigidity and seizures. Last evaluated: 2022-06-13. Review status: criteria provided, single submitter. Criteria: Invitae Variant Classification Sherloc (09022015). Collection method: clinical testing. Allele origin: germline.
Comment: This variant has not been reported in the literature in individuals affected with BRAT1-related conditions. In summary, the available evidence is currently insufficient to determine the role of this variant in disease. Therefore, it has been classified as a Variant of Uncertain Significance. Algorithms developed to predict the effect of missense changes on protein structure and function (SIFT, PolyPhen-2, Align-GVGD) all suggest that this variant is likely to be disruptive. ClinVar contains an entry for this variant (Variation ID: 1016761). This variant is not present in population databases (gnomAD no frequency). This sequence change replaces arginine, which is basic and polar, with glycine, which is neutral and non-polar, at codon 713 of the BRAT1 protein (p.Arg713Gly).